The following is an entry in ClinVar:

NM_002528.7(NTHL1):c.804C>G (p.His268Gln)

Gene: NTHL1 (nth like DNA glycosylase 1; minus strand). Cytogenetic location: 16p13.3.
Variant type: single nucleotide variant.
Coding change: c.804C>G on transcript NM_002528.7 (MANE Select); coding-DNA position 804, C replaced by G.
Protein change: p.His268Gln; replaces histidine 268 with glutamine.
Molecular consequence: missense variant.
Genome position (GRCh38, 1-based): chr16:2,040,035, G>C on the plus strand (C>G on the coding strand, the complement: NTHL1 is on the minus strand). VCF-style: chr16-2040035-G-C. GRCh37 (hg19) VCF-style: chr16-2090036-G-C.
Other names: c.633C>G, p.His211Gln (NM_001318193.2); c.474C>G, p.His158Gln (NM_001318194.2); c.804C>G, p.His268Gln (LRG_1366t1); short protein forms H268Q, H158Q, H211Q.
Identifiers: ClinVar variation 641416 (VCV000641416.12), dbSNP rs1596216112, ClinGen allele CA394287554.

ClinVar aggregate classification (germline): Uncertain significance. Review status: criteria provided, multiple submitters, no conflicts (2 of 4 stars). 2 submissions from 2 submitters: Uncertain significance (2). Last evaluated 2025-12-24.

Conditions:
Hereditary cancer-predisposing syndrome. Also called: Neoplastic Syndromes, Hereditary; Tumor predisposition; Hereditary Cancer Syndrome; Hereditary neoplastic syndrome. Identifiers: Orphanet 140162, MedGen C0027672, MeSH D009386, MONDO:0015356.

Allele frequency attached by ClinVar (database versions not stated): TOPMed below 0.00001.
gnomAD v4.1: 14 of 1,612,340 alleles (0.00087%); highest among the groups gnomAD compares: Non-Finnish European, 0.001%; no homozygotes.

Submissions (2):

Labcorp Genetics (formerly Invitae), Labcorp
Classification: Uncertain significance. Last evaluated: 2025-12-24. Review status: criteria provided, single submitter. Criteria: Invitae Variant Classification Sherloc (09022015). Collection method: clinical testing. Allele origin: germline.
Comment: This sequence change replaces histidine, which is basic and polar, with glutamine, which is neutral and polar, at codon 276 of the NTHL1 protein (p.His276Gln). This variant is not present in population databases (gnomAD no frequency). This variant has not been reported in the literature in individuals affected with NTHL1-related conditions. ClinVar contains an entry for this variant (Variation ID: 641416). An algorithm developed to predict the effect of missense changes on protein structure and function (PolyPhen-2) suggests that this variant is likely to be tolerated. In summary, the available evidence is currently insufficient to determine the role of this variant in disease. Therefore, it has been classified as a Variant of Uncertain Significance.

Ambry Genetics
Classification: Uncertain significance for Hereditary cancer-predisposing syndrome. Last evaluated: 2025-10-11. Review status: criteria provided, single submitter. Criteria: Ambry Variant Classification Scheme 2023. Collection method: clinical testing. Allele origin: germline.
Comment: The p.H276Q variant (also known as c.828C>G), located in coding exon 6 of the NTHL1 gene, results from a C to G substitution at nucleotide position 828. The histidine at codon 276 is replaced by glutamine, an amino acid with highly similar properties. This amino acid position is conserved. In addition, this alteration is predicted to be tolerated by in silico analysis. Since supporting evidence is limited at this time, the clinical significance of this alteration remains unclear.